The following is an entry in ClinVar:

ClinVar aggregate classification (germline): Uncertain significance. Review status: reviewed by expert panel (3 of 4 stars). 3 submissions from 3 submitters: Uncertain significance (1). 2 of the submissions do not count toward it. Last evaluated 2025-12-12.

Conditions:
Telangiectasia, hereditary hemorrhagic, type 2 (HHT2). Also called: ACVRL1-Related Hereditary Hemorrhagic Telangiectasia; Telangiectasia, hereditary hemorrhagic, type II. Identifiers: Orphanet 774, MedGen C1838163, MONDO:0010880, OMIM 600376. Disease mechanism: loss of function.

Allele frequency attached by ClinVar (database versions not stated): gnomAD 0.00002 and 0.00003; TOPMed 0.00003; gnomAD exomes 0.00008 and 0.00013; ESP Exome Variant Server 0.00015; 1000 Genomes Project 30x 0.00016; 1000 Genomes Project 0.00020; ExAC 0.00020.

Submissions (3):

ClinGen Hereditary Hemorrhagic Telangiectasia Variant Curation Expert Panel, ClinGen
Classification: Uncertain significance for Telangiectasia, hereditary hemorrhagic, type 2. Last evaluated: 2025-12-12. Review status: reviewed by expert panel. Criteria: ClinGen HHT ACMG Specifications ACVRL1 V1.1.0. Collection method: curation. Allele origin: germline. Inheritance: Autosomal dominant inheritance.
Comment: The NM_000020.3: c.511G>A variant in ACVRL1 is a missense variant predicted to cause substitution of aspartic acid by asparagine at amino acid 171 (p.Asp171Asn). The highest population minor allele frequency in gnomAD v2.1.1 is 0.0007517 (23/30596 alleles) in the South Asian subpopulation. The computational predictor REVEL gives a score of 0.439, which is neither above nor below the thresholds predicting a damaging or benign impact on ACVRL1 function. In summary, this variant meets the criteria to be classified as a variant of uncertain significance for autosomal dominant hereditary hemorrhagic telangiectasia based on the ACMG/AMP criteria applied, as specified by the ClinGen Hereditary Hemorrhagic Telangiectasia Variant Curation Expert Panel: None (specification version 1.1.0; 12/12/2025).

Labcorp Genetics (formerly Invitae), Labcorp
Classification: Likely benign for Telangiectasia, hereditary hemorrhagic, type 2. Last evaluated: 2025-12-31. Review status: criteria provided, single submitter. Criteria: Invitae Variant Classification Sherloc (09022015). Collection method: clinical testing. Allele origin: germline. Not counted in ClinVar's aggregate classification.

GeneDx
Classification: Uncertain significance. Last evaluated: 2022-08-24. Review status: criteria provided, single submitter. Criteria: GeneDx Variant Classification Process June 2021. Collection method: clinical testing. Allele origin: germline. Affected: yes. Not counted in ClinVar's aggregate classification.
Comment: In silico analysis supports that this missense variant has a deleterious effect on protein structure/function; Has not been previously published as pathogenic or benign to our knowledge

NM_000020.3(ACVRL1):c.511G>A (p.Asp171Asn)

Gene: ACVRL1 (activin A receptor like type 1; plus strand). Cytogenetic location: 12q13.13.
Variant type: single nucleotide variant.
Coding change: c.511G>A on transcript NM_000020.3 (MANE Select); coding-DNA position 511, G replaced by A.
Protein change: p.Asp171Asn; replaces aspartic acid 171 with asparagine.
Molecular consequence: missense variant.
Genome position (GRCh38, 1-based): chr12:51,913,756, G>A. VCF-style: chr12-51913756-G-A. GRCh37 (hg19) VCF-style: chr12-52307540-G-A.
Other names: NM_000020.3(ACVRL1):c.511G>A; p.Asp171Asn; c.511G>A, p.Asp171Asn (NM_001077401.2); c.511G>A (NM_000020.2); short protein forms D171N.
Identifiers: ClinVar variation 1640498 (VCV001640498.9), dbSNP rs369436815, ClinGen allele CA6572917.